The following is an entry in ClinVar:

ClinVar aggregate classification (germline): Conflicting classifications of pathogenicity. Review status: criteria provided, conflicting classifications (1 of 4 stars). 4 submissions from 4 submitters: Uncertain significance (1); Likely benign (2). 1 of the submissions does not count toward it. Last evaluated 2025-09-10.

Conditions:
RAI1-related disorder. Also called: RAI1-related condition.

Allele frequency attached by ClinVar (database versions not stated): TOPMed 0.00001.
gnomAD v4.1: 12 of 1,560,640 alleles (0.00077%); highest among the groups gnomAD compares: Non-Finnish European, 0.001%; no homozygotes.

Submissions (4):

Labcorp Genetics (formerly Invitae), Labcorp
Classification: Likely benign. Last evaluated: 2025-09-10. Review status: criteria provided, single submitter. Criteria: Invitae Variant Classification Sherloc (09022015). Collection method: clinical testing. Allele origin: germline.

Genetic Services Laboratory, University of Chicago
Classification: Likely benign. Last evaluated: 2016-01-20. Review status: criteria provided, single submitter. Criteria: ACMG Guidelines, 2015. Collection method: clinical testing. Allele origin: germline. Affected: no.

Eurofins Ntd Llc (ga)
Classification: Uncertain significance. Last evaluated: 2015-10-01. Review status: criteria provided, single submitter. Criteria: EGL Classification Definitions 2015. Collection method: clinical testing. Allele origin: germline. Observed: 2 variant alleles, 2 heterozygotes.

PreventionGenetics, part of Exact Sciences
Classification: Likely benign for RAI1-related condition. Last evaluated: 2019-11-06. Review status: no assertion criteria provided. Collection method: clinical testing. Allele origin: germline. Not counted in ClinVar's aggregate classification.
Comment: This variant is classified as likely benign based on ACMG/AMP sequence variant interpretation guidelines (Richards et al. 2015 PMID: 25741868, with internal and published modifications).

NM_030665.4(RAI1):c.3270C>G (p.Ala1090=)

Gene: RAI1 (retinoic acid induced 1; plus strand). Cytogenetic location: 17p11.2.
Variant type: single nucleotide variant.
Coding change: c.3270C>G on transcript NM_030665.4 (MANE Select); coding-DNA position 3270, C replaced by G.
Protein change: p.Ala1090=; no amino-acid change (alanine 1090 retained).
Molecular consequence: synonymous variant.
Genome position (GRCh38, 1-based): chr17:17,796,218, C>G. VCF-style: chr17-17796218-C-G. GRCh37 (hg19) VCF-style: chr17-17699532-C-G.
Identifiers: ClinVar variation 96185 (VCV000096185.20), dbSNP rs398124416, ClinGen allele CA223804.